The following is an entry in ClinVar:

ClinVar aggregate classification (germline): Uncertain significance. Review status: reviewed by expert panel (3 of 4 stars). 2 submissions from 2 submitters: Uncertain significance (1). 1 of the submissions does not count toward it. Last evaluated 2025-10-31.

Conditions:
Mucopolysaccharidosis type 1. Also called: IDUA deficiency; MPS I. Identifiers: Orphanet 579, MedGen C0023786, MONDO:0001586.

Submissions (2):

ClinGen Lysosomal Storage Disorder Variant Curation Expert Panel
Classification: Uncertain significance for Mucopolysaccharidosis type 1. Last evaluated: 2025-10-31. Review status: reviewed by expert panel. Criteria: ClinGen LSD ACMG Specifications IDUA V1.1.0. Collection method: curation. Allele origin: germline. Inheritance: Autosomal recessive inheritance.
Comment: The NM_000203.4:c.218A>G variant in IDUA is a missense variant predicted to cause substitution of asparagine by serine at amino acid 73 (p.Asn73Ser). One infant with the variant was identified on newborn screening. The infant did not have testing to confirm IDUA activity, but had normal urine or blood GAG quantification (PMID: 37516270). Insufficient evidence to apply PP4. The infant was compound heterozygous for the variant and another variant in IDUA. The second variant, c.235G>A (p.Ala79Thr) (ClinVarID: 195038), is classified as benign/likely benign in ClinVar but has not yet been classified by the ClinGen VCEP. It is listed as a pseudodeficiency in PMID: 37516270. The computational predictor REVEL gives a score of 0.732 which is in the range 0.644-0.773, evidence that correlates with impact to IDUA function at the supporting level (PMID: 36413997) (PP3). This variant is absent in gnomAD v4.1.0. (PM2_Supporting). In summary, this variant meets the criteria to be classified as a variant of uncertain significance (VUS) for MPS I based on the IDUA-specific ACMG/AMP criteria applied, as specified by the ClinGen Lysosomal Diseases Variant Curation Expert Panel (Specifications Version 1.1.0): PP3, PM2_supporting (Classification approved by the ClinGen Lysosomal Diseases Variant Curation Expert Panel on October 31, 2025)

Revvity Omics, Revvity
Classification: Uncertain significance. Last evaluated: 2022-06-27. Review status: criteria provided, single submitter. Criteria: ACMG Guidelines, 2015. Collection method: clinical testing. Allele origin: germline. Not counted in ClinVar's aggregate classification.

NM_000203.5(IDUA):c.218A>G (p.Asn73Ser)

Genes: IDUA (alpha-L-iduronidase; plus strand), SLC26A1 (solute carrier family 26 member 1; minus strand). Cytogenetic location: 4p16.3.
Variant type: single nucleotide variant.
Coding change: c.218A>G on transcript NM_000203.5 (MANE Select); coding-DNA position 218, A replaced by G.
Protein change: p.Asn73Ser; replaces asparagine 73 with serine.
Molecular consequence: missense variant. On other transcripts: 3 prime UTR variant (2), non-coding transcript variant (1), intron variant (1).
Genome position (GRCh38, 1-based): chr4:987,868, A>G. VCF-style: chr4-987868-A-G. GRCh37 (hg19) VCF-style: chr4-981656-A-G.
Other names: NM_000203.5(IDUA):c.218A>G; p.Asn73Ser; c.*965T>C (NM_022042.4, NM_213613.4); c.576+3260T>C (NM_134425.4); short protein forms N73S.
Identifiers: ClinVar variation 2432733 (VCV002432733.3), dbSNP rs1240696427, ClinGen allele CA355946346.